The following is an entry in ClinVar:

NM_000081.4(LYST):c.8378del (p.Leu2793fs)

Gene: LYST (lysosomal trafficking regulator; minus strand). Cytogenetic location: 1q42.3.
Variant type: Deletion.
Coding change: c.8378del on transcript NM_000081.4 (MANE Select); coding-DNA position 8378, one base deleted (T; older notation c.8378delT).
Protein change: p.Leu2793fs; shifts the reading frame from leucine 2793.
Molecular consequence: frameshift variant.
Genome position (GRCh38, 1-based): chr1:235,734,640, A deleted on the plus strand (T on the coding strand, the reverse complement: LYST is on the minus strand); the first of 4 consecutive A bases (chr1:235,734,640-235,734,643); deleting any one gives the same sequence. VCF-style (leftmost placement, unchanged base first): chr1-235734639-CA-C. GRCh37 (hg19) VCF-style: chr1-235897939-CA-C.
Other names: c.8378del, p.Leu2793fs (NM_001301365.1); short protein forms L2793fs.
Identifiers: ClinVar variation 3370416 (VCV003370416.1).

ClinVar aggregate classification (germline): Likely pathogenic (0 of 4 stars; one submission).

Conditions:
Chédiak-Higashi syndrome (CHS). Also called: Chediak-Higashi Syndrome. Identifiers: Orphanet 167, MedGen C0007965, MONDO:0008963, OMIM 214500.

Submission:

Department of Genetics, Suzhou Beikang Medical Laboratory
Classification: Likely pathogenic for Chédiak-Higashi syndrome. Last evaluated: 2024-10-31. Review status: no assertion criteria provided. Collection method: clinical testing. Allele origin: germline. Affected: no.
Comment: This variant has not been reported in the literature in individuals affected with LYST-related conditions. This variant is not present in population databases (gnomAD no frequency). This variant results in the deletion of part of exon 7 (c.8378del) of the LYST gene. It is expected to disrupt RNA splicing. Variants that disrupt the donor or acceptor splice site typically lead to a loss of protein function (PMID: 16199547), and loss-of-function variants in LYST are known to be pathogenic (PMID: 21841779, 26827111). In summary, the currently available evidence indicates that the variant is pathogenic, but additional data are needed to prove that conclusively. Therefore, this variant has been classified as Likely pathogenic.